The following is an entry in ClinVar:

ClinVar aggregate classification (germline): Uncertain significance (1 of 4 stars; one submission).

Conditions:
Loeys-Dietz syndrome 2 (LDS2). Also called: Marfan Syndrome type 2; Marfan like connective tissue disorder; MFS 2; TGFBR2-Related Loeys-Dietz Syndrome; AORTIC ANEURYSM, FAMILIAL THORACIC 3; MARFAN SYNDROME, TYPE II. Identifiers: Orphanet 284973, Orphanet 558, MedGen C2674574, MONDO:0012427, OMIM 610168.

Allele frequency attached by ClinVar (database versions not stated): gnomAD exomes below 0.00001; TOPMed 0.00001.
gnomAD v4.1: 3 of 1,614,024 alleles (0.00019%); highest among the groups gnomAD compares: South Asian, 0.0011%; no homozygotes.

Submission:

Labcorp Genetics (formerly Invitae), Labcorp
Classification: Uncertain significance for Loeys-Dietz syndrome 2. Last evaluated: 2021-05-04. Review status: criteria provided, single submitter. Criteria: Invitae Variant Classification Sherloc (09022015). Collection method: clinical testing. Allele origin: germline.
Comment: This variant has not been reported in the literature in individuals with TMPO-related conditions. This variant is not present in population databases (ExAC no frequency). This sequence change replaces proline with serine at codon 425 of the TMPO protein (p.Pro425Ser). The proline residue is weakly conserved and there is a moderate physicochemical difference between proline and serine. Algorithms developed to predict the effect of missense changes on protein structure and function output the following: SIFT: "Tolerated"; PolyPhen-2: "Benign"; Align-GVGD: "Class C0". The serine amino acid residue is found in multiple mammalian species, suggesting that this missense change does not adversely affect protein function. These predictions have not been confirmed by published functional studies and their clinical significance is uncertain. In summary, the available evidence is currently insufficient to determine the role of this variant in disease. Therefore, it has been classified as a Variant of Uncertain Significance.

NM_001032283.3(TMPO):c.565+1692C>T

Gene: TMPO (thymopoietin; plus strand). Cytogenetic location: 12q23.1.
Variant type: single nucleotide variant.
Coding change: c.565+1692C>T on transcript NM_001032283.3 (MANE Select); 1692 bases into the intron after coding-DNA position 565, C replaced by T.
Molecular consequence: intron variant. On other transcripts: missense variant (1).
Genome position (GRCh38, 1-based): chr12:98,533,530, C>T. VCF-style: chr12-98533530-C-T. GRCh37 (hg19) VCF-style: chr12-98927308-C-T.
Other names: c.1273C>T, p.Pro425Ser (NM_003276.2); c.565+1692C>T (NM_001307975.2, NM_001032284.3); short protein forms P425S.
Identifiers: ClinVar variation 1370370 (VCV001370370.8), dbSNP rs879040481, ClinGen allele CA386152842.